The following is an entry in ClinVar:

ClinVar aggregate classification (germline): Pathogenic. Review status: criteria provided, single submitter (1 of 4 stars). 2 submissions from 2 submitters: Pathogenic (1). 1 of the submissions does not count toward it. Last evaluated 2024-03-02.

Conditions:
Long QT syndrome (LQTS). Identifiers: MedGen C0023976, MeSH D008133, MONDO:0002442. Disease mechanism: loss of function. Inheritance: Various modes of inheritance.
Long QT syndrome 2 (LQT2). Identifiers: Orphanet 101016, Orphanet 768, MedGen C3150943, MONDO:0013367, OMIM 613688.

Submissions (2):

Labcorp Genetics (formerly Invitae), Labcorp
Classification: Pathogenic for Long QT syndrome. Last evaluated: 2024-03-02. Review status: criteria provided, single submitter. Criteria: Invitae Variant Classification Sherloc (09022015). Collection method: clinical testing. Allele origin: germline.
Comment: This sequence change creates a premature translational stop signal (p.Thr421Argfs*13) in the KCNH2 gene. It is expected to result in an absent or disrupted protein product. Loss-of-function variants in KCNH2 are known to be pathogenic (PMID: 10973849, 19862833). This variant is not present in population databases (gnomAD no frequency). This premature translational stop signal has been observed in individual(s) with long QT syndrome (PMID: 7889573). ClinVar contains an entry for this variant (Variation ID: 14426). For these reasons, this variant has been classified as Pathogenic.

OMIM
Classification: Pathogenic for LONG QT SYNDROME 2. Last evaluated: 1997-01-10. Review status: no assertion criteria provided. Collection method: literature only. Allele origin: germline. Not counted in ClinVar's aggregate classification.

Literature cited by the submitters: PubMed 10973849 (cited by Labcorp Genetics (formerly Invitae), Labcorp); PubMed 19862833 (cited by Labcorp Genetics (formerly Invitae), Labcorp); PubMed 7889573 (cited by Labcorp Genetics (formerly Invitae), Labcorp and OMIM); PubMed 8995352 (cited by OMIM).

NM_000238.4(KCNH2):c.1261del (p.Thr421fs)

Gene: KCNH2 (potassium voltage-gated channel subfamily H member 2; minus strand). Cytogenetic location: 7q36.1.
Variant type: Deletion.
Coding change: c.1261del on transcript NM_000238.4 (MANE Select); coding-DNA position 1261, one base deleted (A; older notation c.1261delA).
Protein change: p.Thr421fs; shifts the reading frame from threonine 421.
Molecular consequence: frameshift variant.
Genome position (GRCh38, 1-based): chr7:150,952,721, T deleted on the plus strand (A on the coding strand, the reverse complement: KCNH2 is on the minus strand). VCF-style (leftmost placement, unchanged base first): chr7-150952720-GT-G. GRCh37 (hg19) VCF-style: chr7-150649808-GT-G.
Other names: c.1261delA, p.Thr421Argfs (NM_000238.3, NM_172056.3); c.241del, p.Thr81fs (NM_001204798.2, NM_172057.3); c.973delA, p.Thr325Argfs (NM_001406753.1, NM_001406756.1); c.1084delA, p.Thr362Argfs (NM_001406755.1); c.961delA, p.Thr321Argfs (NM_001406757.1); short protein forms T421fs, T81fs.
Identifiers: ClinVar variation 14426 (VCV000014426.5), dbSNP rs1554426258, ClinGen allele CA658683502.